The following is an entry in ClinVar:

NM_001322934.2(NFKB2):c.2369G>C (p.Ser790Thr)

Gene: NFKB2 (nuclear factor kappa B subunit 2; plus strand). Cytogenetic location: 10q24.32.
Variant type: single nucleotide variant.
Coding change: c.2369G>C on transcript NM_001322934.2 (MANE Select); coding-DNA position 2369, G replaced by C.
Protein change: p.Ser790Thr; replaces serine 790 with threonine.
Molecular consequence: missense variant.
Genome position (GRCh38, 1-based): chr10:102,401,820, G>C. VCF-style: chr10-102401820-G-C. GRCh37 (hg19) VCF-style: chr10-104161577-G-C.
Other names: c.2369G>C, p.Ser790Thr (NM_001077493.1, NM_001077494.3, NM_001261403.3 and 2 more transcripts); c.2243G>C, p.Ser748Thr (NM_001322935.1); short protein forms S748T, S790T.
Identifiers: ClinVar variation 2043565 (VCV002043565.4), dbSNP rs2544603742, ClinGen allele CA377905631.

ClinVar aggregate classification (germline): Uncertain significance (1 of 4 stars; one submission).

Conditions:
Immunodeficiency, common variable, 10. Also called: IMMUNODEFICIENCY, COMMON VARIABLE, WITH CENTRAL ADRENAL INSUFFICIENCY; DEFICIT IN ANTERIOR PITUITARY FUNCTION AND VARIABLE IMMUNODEFICIENCY. Identifiers: MedGen C3809991, MONDO:0014260, OMIM 615577.

Allele frequency attached by ClinVar (database versions not stated): gnomAD exomes below 0.00001.
gnomAD v4.1: 1 of 1,613,876 alleles (0.000062%); highest among the groups gnomAD compares: Non-Finnish European, 0.000085%; no homozygotes.

Submission:

Labcorp Genetics (formerly Invitae), Labcorp
Classification: Uncertain significance for Immunodeficiency, common variable, 10. Last evaluated: 2021-12-15. Review status: criteria provided, single submitter. Criteria: Invitae Variant Classification Sherloc (09022015). Collection method: clinical testing. Allele origin: germline.
Comment: This variant has not been reported in the literature in individuals affected with NFKB2-related conditions. Algorithms developed to predict the effect of missense changes on protein structure and function (SIFT, PolyPhen-2, Align-GVGD) all suggest that this variant is likely to be tolerated. In summary, the available evidence is currently insufficient to determine the role of this variant in disease. Therefore, it has been classified as a Variant of Uncertain Significance. This variant is not present in population databases (gnomAD no frequency). This sequence change replaces serine, which is neutral and polar, with threonine, which is neutral and polar, at codon 790 of the NFKB2 protein (p.Ser790Thr).